The following is an entry in ClinVar:

NM_006348.5(COG5):c.1126C>G (p.Gln376Glu)

Gene: COG5 (component of oligomeric golgi complex 5; minus strand). Cytogenetic location: 7q22.3.
Variant type: single nucleotide variant.
Coding change: c.1126C>G on transcript NM_006348.5 (MANE Select); coding-DNA position 1126, C replaced by G.
Protein change: p.Gln376Glu; replaces glutamine 376 with glutamic acid.
Molecular consequence: missense variant.
Genome position (GRCh38, 1-based): chr7:107,298,329, G>C on the plus strand (C>G on the coding strand, the complement: COG5 is on the minus strand). VCF-style: chr7-107298329-G-C. GRCh37 (hg19) VCF-style: chr7-106938774-G-C.
Other names: c.1126C>G, p.Gln376Glu (NM_001161520.2, NM_001379511.1, NM_001379512.1 and 3 more transcripts); c.556C>G, p.Gln186Glu (NM_001379515.1); c.412C>G, p.Gln138Glu (NM_001379516.1); short protein forms Q138E, Q376E, Q186E.
Identifiers: ClinVar variation 1383027 (VCV001383027.6), dbSNP rs775852402, ClinGen allele CA368938962.

ClinVar aggregate classification (germline): Uncertain significance (1 of 4 stars; one submission).

Conditions:
COG5-congenital disorder of glycosylation. Also called: COG5-CDG; CDG IIi; CONGENITAL DISORDER OF GLYCOSYLATION, TYPE IIi. Identifiers: Orphanet 263487, MedGen C3150876, MONDO:0013325, OMIM 613612.

gnomAD v4.1: 1 of 1,613,068 alleles (0.000062%); highest among the groups gnomAD compares: Non-Finnish European, 0.000085%; no homozygotes.

Submission:

Labcorp Genetics (formerly Invitae), Labcorp
Classification: Uncertain significance for COG5-congenital disorder of glycosylation. Last evaluated: 2024-10-15. Review status: criteria provided, single submitter. Criteria: Invitae Variant Classification Sherloc (09022015). Collection method: clinical testing. Allele origin: germline.
Comment: This sequence change replaces glutamine, which is neutral and polar, with glutamic acid, which is acidic and polar, at codon 407 of the COG5 protein (p.Gln407Glu). This variant is present in population databases (no rsID available, gnomAD 0.0009%). This variant has not been reported in the literature in individuals affected with COG5-related conditions. ClinVar contains an entry for this variant (Variation ID: 1383027). Invitae Evidence Modeling of protein sequence and biophysical properties (such as structural, functional, and spatial information, amino acid conservation, physicochemical variation, residue mobility, and thermodynamic stability) indicates that this missense variant is not expected to disrupt COG5 protein function with a negative predictive value of 80%. In summary, the available evidence is currently insufficient to determine the role of this variant in disease. Therefore, it has been classified as a Variant of Uncertain Significance.